The following is an entry in ClinVar:

NM_001367493.1(ARHGEF4):c.3985+9C>T

Gene: ARHGEF4 (Rho guanine nucleotide exchange factor 4; plus strand). Cytogenetic location: 2q21.1.
Variant type: single nucleotide variant.
Coding change: c.3985+9C>T on transcript NM_001367493.1 (MANE Select); 9 bases into the intron after coding-DNA position 3985, C replaced by T.
Molecular consequence: intron variant.
Genome position (GRCh38, 1-based): chr2:130,946,644, C>T. VCF-style: chr2-130946644-C-T. GRCh37 (hg19) VCF-style: chr2-131704217-C-T.
Other names: c.427+9C>T (NM_015320.4); c.316+9C>T (NM_001375901.1); c.472+9C>T (NM_001375900.1).
Identifiers: ClinVar variation 3044907 (VCV003044907.2), dbSNP rs756890797, ClinGen allele CA1874954.

ClinVar aggregate classification (germline): Likely benign (0 of 4 stars; one submission).

Conditions:
ARHGEF4-related disorder. Also called: ARHGEF4-related condition.

Allele frequency attached by ClinVar (database versions not stated): ExAC 0.00002; gnomAD exomes 0.00003; TOPMed 0.00003; gnomAD 0.00004.
gnomAD v4.1: 57 of 1,613,562 alleles (0.0035%); highest among the groups gnomAD compares: African/African-American, 0.013%; no homozygotes.

Submission:

PreventionGenetics, part of Exact Sciences
Classification: Likely benign for ARHGEF4-related condition. Last evaluated: 2019-06-07. Review status: no assertion criteria provided. Collection method: clinical testing. Allele origin: germline.
Comment: This variant is classified as likely benign based on ACMG/AMP sequence variant interpretation guidelines (Richards et al. 2015 PMID: 25741868, with internal and published modifications).